The following is an entry in ClinVar:

NM_021942.6(TRAPPC11):c.211T>C (p.Ser71Pro)

Gene: TRAPPC11 (trafficking protein particle complex subunit 11; plus strand). Cytogenetic location: 4q35.1.
Variant type: single nucleotide variant.
Coding change: c.211T>C on transcript NM_021942.6 (MANE Select); coding-DNA position 211, T replaced by C.
Protein change: p.Ser71Pro; replaces serine 71 with proline.
Molecular consequence: missense variant.
Genome position (GRCh38, 1-based): chr4:183,666,263, T>C. VCF-style: chr4-183666263-T-C. GRCh37 (hg19) VCF-style: chr4-184587416-T-C.
Other names: c.211T>C, p.Ser71Pro (NM_199053.3); short protein forms S71P.
Identifiers: ClinVar variation 946453 (VCV000946453.10), dbSNP rs1734877199, ClinGen allele CA358858692.

ClinVar aggregate classification (germline): Uncertain significance (1 of 4 stars; one submission).

Conditions:
Autosomal recessive limb-girdle muscular dystrophy type R18 (LGMDR18). Also called: Autosomal recessive limb-girdle muscular dystrophy type 2S; Limb-girdle muscular dystrophy, type 2S; MUSCULAR DYSTROPHY, LIMB-GIRDLE, AUTOSOMAL RECESSIVE 18. Identifiers: Orphanet 369840, MedGen C4517996, MONDO:0014144, OMIM 615356.

Allele frequency attached by ClinVar (database versions not stated): gnomAD exomes below 0.00001.
gnomAD v4.1: 1 of 1,611,352 alleles (0.000062%); highest among the groups gnomAD compares: Non-Finnish European, 0.000085%; no homozygotes.

Submission:

Labcorp Genetics (formerly Invitae), Labcorp
Classification: Uncertain significance for Autosomal recessive limb-girdle muscular dystrophy type R18. Last evaluated: 2023-08-17. Review status: criteria provided, single submitter. Criteria: Invitae Variant Classification Sherloc (09022015). Collection method: clinical testing. Allele origin: germline.
Comment: This sequence change replaces serine, which is neutral and polar, with proline, which is neutral and non-polar, at codon 71 of the TRAPPC11 protein (p.Ser71Pro). This variant is not present in population databases (gnomAD no frequency). This variant has not been reported in the literature in individuals affected with TRAPPC11-related conditions. ClinVar contains an entry for this variant (Variation ID: 946453). Advanced modeling of protein sequence and biophysical properties (such as structural, functional, and spatial information, amino acid conservation, physicochemical variation, residue mobility, and thermodynamic stability) performed at Invitae indicates that this missense variant is expected to disrupt TRAPPC11 protein function. In summary, the available evidence is currently insufficient to determine the role of this variant in disease. Therefore, it has been classified as a Variant of Uncertain Significance.